The following is an entry in ClinVar:

NM_001127222.2(CACNA1A):c.285C>T (p.Thr95=)

Gene: CACNA1A (calcium voltage-gated channel subunit alpha1 A; minus strand). Cytogenetic location: 19p13.13.
Variant type: single nucleotide variant.
Coding change: c.285C>T on transcript NM_001127222.2 (MANE Select); coding-DNA position 285, C replaced by T.
Protein change: p.Thr95=; no amino-acid change (threonine 95 retained).
Molecular consequence: synonymous variant.
Genome position (GRCh38, 1-based): chr19:13,505,940, G>A on the plus strand (C>T on the coding strand, the complement: CACNA1A is on the minus strand). VCF-style: chr19-13505940-G-A. GRCh37 (hg19) VCF-style: chr19-13616754-G-A.
Other names: c.285C>T, p.Thr95= (NM_000068.4, NM_001127221.2, NM_001174080.2 and 1 more transcripts); c.285C>T (NM_001127222.1, NM_001127221.1).
Identifiers: ClinVar variation 1616260 (VCV001616260.11), dbSNP rs758206206, ClinGen allele CA9241077.

ClinVar aggregate classification (germline): Conflicting classifications of pathogenicity. Review status: criteria provided, conflicting classifications (1 of 4 stars). 3 submissions from 3 submitters: Uncertain significance (1); Likely benign (1). 1 of the submissions does not count toward it. Last evaluated 2026-01-30.

Conditions:
Episodic ataxia type 2 (EA2). Also called: ACETAZOLAMIDE-RESPONSIVE HEREDITARY PAROXYSMAL CEREBELLAR ATAXIA; ATAXIA, EPISODIC, WITH NYSTAGMUS; ATAXIA, FAMILIAL PAROXYSMAL; CEREBELLAR ATAXIA, PAROXYSMAL, ACETAZOLAMIDE-RESPONSIVE; CEREBELLOPATHY, HEREDITARY PAROXYSMAL; EPISODIC ATAXIA, NYSTAGMUS-ASSOCIATED. Identifiers: Orphanet 97, MedGen C1720416, MONDO:0007163, OMIM 108500.
Developmental and epileptic encephalopathy, 42 (DEE42A). Also called: Epileptic encephalopathy, early infantile, 42; DEVELOPMENTAL AND EPILEPTIC ENCEPHALOPATHY 42A; EPILEPTIC ENCEPHALOPATHY, EARLY INFANTILE, 42A. Identifiers: MedGen C4310716, MONDO:0014917, OMIM 617106.
CACNA1A-related disorder. Also called: CACNA1A-related condition.

Allele frequency attached by ClinVar (database versions not stated): gnomAD exomes 0.00001 and 0.00002; gnomAD 0.00002; TOPMed 0.00002; ExAC 0.00004.
gnomAD v4.1: 16 of 1,612,900 alleles (0.00099%); highest among the groups gnomAD compares: African/African-American, 0.0027%; no homozygotes.

Submissions (3):

GeneDx
Classification: Uncertain significance. Last evaluated: 2026-01-30. Review status: criteria provided, single submitter. Criteria: GeneDx Variant Classification Process June 2021. Collection method: clinical testing. Allele origin: germline.
Comment: Has not been previously published as pathogenic or benign to our knowledge; In silico analysis is inconclusive as to whether the variant alters gene splicing. In the absence of RNA/functional studies, the actual effect of this sequence change is unknown.

Labcorp Genetics (formerly Invitae), Labcorp
Classification: Likely benign for Developmental and epileptic encephalopathy, 42; Episodic ataxia type 2. Last evaluated: 2025-06-03. Review status: criteria provided, single submitter. Criteria: Invitae Variant Classification Sherloc (09022015). Collection method: clinical testing. Allele origin: germline.

PreventionGenetics, part of Exact Sciences
Classification: Likely benign for CACNA1A-related condition. Last evaluated: 2021-07-27. Review status: no assertion criteria provided. Collection method: clinical testing. Allele origin: germline. Not counted in ClinVar's aggregate classification.
Comment: This variant is classified as likely benign based on ACMG/AMP sequence variant interpretation guidelines (Richards et al. 2015 PMID: 25741868, with internal and published modifications).